The following is an entry in ClinVar:

NM_019066.5(MAGEL2):c.3257C>T (p.Ala1086Val)

Gene: MAGEL2 (MAGE family member L2; minus strand). Cytogenetic location: 15q11.2.
Variant type: single nucleotide variant.
Coding change: c.3257C>T on transcript NM_019066.5 (MANE Select); coding-DNA position 3257, C replaced by T.
Protein change: p.Ala1086Val; replaces alanine 1086 with valine.
Molecular consequence: missense variant.
Genome position (GRCh38, 1-based): chr15:23,644,486, G>A on the plus strand (C>T on the coding strand, the complement: MAGEL2 is on the minus strand). VCF-style: chr15-23644486-G-A. GRCh37 (hg19) VCF-style: chr15-23889633-G-A.
Other names: short protein forms A1086V.
Identifiers: ClinVar variation 3365597 (VCV003365597.1).
Genomic context (GRCh38, chr15:23,644,486, plus strand): 5'-TCTAAATAGGATGCCACCAAATTCCCTGTATGGTAGCCCAGCTTGTTGATGATAATATAG[G>A]CGTGGTTTTTGGTATCAATTTCTTTCAATTGATAACCAAAGGCACACTCCAGCTTATTGT-3'
Protein context (NP_061939.3, residues 1076-1096): QLKEIDTKNH[Ala1086Val]YIIINKLGYH

ClinVar aggregate classification (germline): Uncertain significance (1 of 4 stars; one submission).

Submission:

GeneDx
Classification: Uncertain significance. Last evaluated: 2023-12-12. Review status: criteria provided, single submitter. Criteria: GeneDx Variant Classification Process June 2021. Collection method: clinical testing. Allele origin: germline. Affected: yes.
Comment: Not observed at significant frequency in large population cohorts (gnomAD); In silico analysis supports that this missense variant does not alter protein structure/function; Has not been previously published as pathogenic or benign to our knowledge